The following is an entry in ClinVar:

ClinVar aggregate classification (germline): Uncertain significance. Review status: criteria provided, multiple submitters, no conflicts (2 of 4 stars). 9 submissions from 9 submitters: Uncertain significance (8). 1 of the submissions does not count toward it. Last evaluated 2026-02-25.

Conditions:
VPS13B-related disorder. Also called: VPS13B-related condition.
Cohen syndrome (COH1). Also called: PEPPER SYNDROME; Cutis verticis gyrata, retinitis pigmentosa, and sensorineural deafness. Identifiers: Orphanet 193, MedGen C0265223, MONDO:0008999, OMIM 216550.

Allele frequency attached by ClinVar (database versions not stated): ExAC 0.00004; gnomAD 0.00012; gnomAD exomes 0.00014 and 0.00025; ESP Exome Variant Server 0.00015; TOPMed 0.00016.
gnomAD v4.1: 377 of 1,613,734 alleles (0.023%); highest among the groups gnomAD compares: Non-Finnish European, 0.031%; 1 homozygote.

Submissions (9):

PreventionGenetics, part of Exact Sciences
Classification: Uncertain significance for VPS13B-related condition. Last evaluated: 2026-02-25. Review status: criteria provided, single submitter. Criteria: ACMG Guidelines, 2015. Collection method: clinical testing. Allele origin: germline.
Comment: The VPS13B c.9131A>C variant is predicted to result in the amino acid substitution p.Glu3044Ala. To our knowledge, this variant has not been reported in the literature. This variant is reported in 0.029% of alleles in individuals of European (Non-Finnish) descent in gnomAD. At this time, the clinical significance of this variant is uncertain due to the absence of conclusive functional and genetic evidence.

GeneDx
Classification: Uncertain significance. Last evaluated: 2025-08-11. Review status: criteria provided, single submitter. Criteria: GeneDx Variant Classification Process June 2021. Collection method: clinical testing. Allele origin: germline. Affected: yes.
Comment: In silico analysis supports that this missense variant has a deleterious effect on protein structure/function; Has not been previously published as pathogenic or benign to our knowledge

Mayo Clinic Laboratories, Mayo Clinic
Classification: Uncertain significance. Last evaluated: 2025-05-27. Review status: criteria provided, single submitter. Criteria: ACMG Guidelines, 2015. Collection method: clinical testing. Allele origin: germline. Observed: 1 variant allele.
Comment: PP3

Labcorp Genetics (formerly Invitae), Labcorp
Classification: Uncertain significance for Cohen syndrome. Last evaluated: 2022-10-13. Review status: criteria provided, single submitter. Criteria: Invitae Variant Classification Sherloc (09022015). Collection method: clinical testing. Allele origin: germline.
Comment: This sequence change replaces glutamic acid, which is acidic and polar, with alanine, which is neutral and non-polar, at codon 3069 of the VPS13B protein (p.Glu3069Ala). This variant is present in population databases (rs376652526, gnomAD 0.03%). This variant has not been reported in the literature in individuals affected with VPS13B-related conditions. ClinVar contains an entry for this variant (Variation ID: 197914). Advanced modeling of protein sequence and biophysical properties (such as structural, functional, and spatial information, amino acid conservation, physicochemical variation, residue mobility, and thermodynamic stability) performed at Invitae indicates that this missense variant is expected to disrupt VPS13B protein function. In summary, the available evidence is currently insufficient to determine the role of this variant in disease. Therefore, it has been classified as a Variant of Uncertain Significance.

Women's Health and Genetics/Laboratory Corporation of America, LabCorp
Classification: Uncertain significance. Last evaluated: 2020-06-16. Review status: criteria provided, single submitter. Criteria: LabCorp Variant Classification Summary - May 2015. Collection method: clinical testing. Allele origin: germline.
Comment: Variant summary: VPS13B c.9206A>C (p.Glu3069Ala) results in a non-conservative amino acid change in the encoded protein sequence. Five of five in-silico tools predict a damaging effect of the variant on protein function. The variant allele was found at a frequency of 0.00014 in 251212 control chromosomes. This frequency is not significantly higher than expected for a pathogenic variant in VPS13B causing Cohen Syndrome (0.00014 vs 0.0025), allowing no conclusion about variant significance. To our knowledge, no occurrence of c.9206A>C in individuals affected with Cohen Syndrome and no experimental evidence demonstrating its impact on protein function have been reported. Four clinical diagnostic laboratories have submitted clinical-significance assessments for this variant to ClinVar after 2014 without evidence for independent evaluation. All laboratories classified the variant as uncertain significance. Based on the evidence outlined above, the variant was classified as uncertain significance.

Fulgent Genetics
Classification: Uncertain significance for Cohen syndrome. Last evaluated: 2018-10-31. Review status: criteria provided, single submitter. Criteria: ACMG Guidelines, 2015. Collection method: clinical testing. Allele origin: unknown.

Illumina Laboratory Services, Illumina
Classification: Uncertain significance for Cohen syndrome. Last evaluated: 2018-01-12. Review status: criteria provided, single submitter. Criteria: ICSL Variant Classification Criteria 13 December 2019. Collection method: clinical testing. Allele origin: germline.

Eurofins Ntd Llc (ga)
Classification: Uncertain significance. Last evaluated: 2015-03-31. Review status: criteria provided, single submitter. Criteria: EGL Classification Definitions 2015. Collection method: clinical testing. Allele origin: germline. Observed: 1 variant allele, 1 heterozygote.

Natera, Inc.
Classification: Uncertain significance for Cohen syndrome. Last evaluated: 2020-02-05. Review status: no assertion criteria provided. Collection method: clinical testing. Allele origin: germline. Not counted in ClinVar's aggregate classification.

NM_152564.5(VPS13B):c.9131A>C (p.Glu3044Ala)

Gene: VPS13B (vacuolar protein sorting 13 homolog B; plus strand). Cytogenetic location: 8q22.2.
Variant type: single nucleotide variant.
Coding change: c.9131A>C on transcript NM_152564.5 (MANE Select); coding-DNA position 9131, A replaced by C.
Protein change: p.Glu3044Ala; replaces glutamic acid 3044 with alanine.
Molecular consequence: missense variant.
Genome position (GRCh38, 1-based): chr8:99,821,430, A>C. VCF-style: chr8-99821430-A-C. GRCh37 (hg19) VCF-style: chr8-100833658-A-C.
Other names: p.Glu3069Ala; c.9206A>C (NM_017890.3); c.9206A>C, p.Glu3069Ala (NM_017890.5); c.9131A>C (NM_152564.4); short protein forms E3044A, E3069A.
Identifiers: ClinVar variation 197914 (VCV000197914.22), dbSNP rs376652526, ClinGen allele CA246300.